The following is an entry in ClinVar:

NM_006753.6(SURF6):c.258C>T (p.Ala86=)

Gene: SURF6 (surfeit 6; minus strand). Cytogenetic location: 9q34.2.
Variant type: single nucleotide variant.
Coding change: c.258C>T on transcript NM_006753.6 (MANE Select); coding-DNA position 258, C replaced by T.
Protein change: p.Ala86=; no amino-acid change (alanine 86 retained).
Molecular consequence: synonymous variant. On other transcripts: non-coding transcript variant (1).
Genome position (GRCh38, 1-based): chr9:133,334,438, G>A on the plus strand (C>T on the coding strand, the complement: SURF6 is on the minus strand). VCF-style: chr9-133334438-G-A. GRCh37 (hg19) VCF-style: chr9-136201274-G-A.
Other names: c.258C>T, p.Ala86= (NM_001278942.2).
Identifiers: ClinVar variation 2659693 (VCV002659693.22), dbSNP rs1349311839, ClinGen allele CA860728852.

ClinVar aggregate classification (germline): Likely benign (1 of 4 stars; one submission).

Allele frequency attached by ClinVar (database versions not stated): gnomAD exomes below 0.00001; TOPMed below 0.00001.
gnomAD v4.1: 8 of 1,613,782 alleles (0.0005%); highest among the groups gnomAD compares: Non-Finnish European, 0.00042%; no homozygotes.

Submission:

CeGaT Center for Human Genetics Tuebingen
Classification: Likely benign. Last evaluated: 2023-03-01. Review status: criteria provided, single submitter. Criteria: CeGaT Center For Human Genetics Tuebingen Variant Classification Criteria Version 2. Collection method: clinical testing. Allele origin: germline. Affected: yes. Observed: 1 variant allele.
Comment: SURF6: BP4, BP7